The following is an entry in ClinVar:

NM_021815.5(SLC5A7):c.759A>G (p.Pro253=)

Gene: SLC5A7 (solute carrier family 5 member 7; plus strand). Cytogenetic location: 2q12.3.
Variant type: single nucleotide variant.
Coding change: c.759A>G on transcript NM_021815.5 (MANE Select); coding-DNA position 759, A replaced by G.
Protein change: p.Pro253=; no amino-acid change (proline 253 retained).
Molecular consequence: synonymous variant.
Genome position (GRCh38, 1-based): chr2:108,006,066, A>G. VCF-style: chr2-108006066-A-G. GRCh37 (hg19) VCF-style: chr2-108622522-A-G.
Other names: c.759A>G, p.Pro253= (NM_001305005.3); c.444A>G, p.Pro148= (NM_001305006.3); c.18A>G, p.Pro6= (NM_001305007.3); c.759A>G (NM_021815.4).
Identifiers: ClinVar variation 707410 (VCV000707410.35), dbSNP rs372145153, ClinGen allele CA1819057.
Genomic context (GRCh38, chr2:108,006,066, plus strand): 5'-ATGAATAGATGTTTGCCTCTCCATCCTTGTGTTTCCCGCACAGATGCTGGGTGGAATCCC[A>G]TGGCAAGCATACTTTCAGAGGGTTCTCTCTTCTTCCTCAGCCACCTATGCTCAAGTGCTG-3'
Protein context (NP_068587.1, residues 243-263): SFLLLMLGGI[Pro253=]WQAYFQRVLS

ClinVar aggregate classification (germline): Likely benign. Review status: criteria provided, multiple submitters, no conflicts (2 of 4 stars). 3 submissions from 3 submitters: Likely benign (3). Last evaluated 2025-12-01.

Conditions:
Congenital myasthenic syndrome 20. Also called: Myasthenic syndrome, congenital, 20, presynaptic. Identifiers: MedGen C4310694, MONDO:0014939, OMIM 617143.
Neuronopathy, distal hereditary motor, type 7A. Also called: NEURONOPATHY, DISTAL HEREDITARY MOTOR, HARDING TYPE VIIA; NEUROPATHY, DISTAL HEREDITARY MOTOR, HARDING TYPE VIIA; Neuronopathy, distal hereditary motor, type viia; SPINAL MUSCULAR ATROPHY, DISTAL, WITH VOCAL CORD PARALYSIS; Neuronopathy, distal hereditary motor, autosomal dominant 7; HARPER-YOUNG MYOPATHY. Identifiers: Orphanet 139589, MedGen C1834703, MONDO:0008024, OMIM 158580.
SLC5A7-related disorder. Also called: SLC5A7-related condition.

Allele frequency attached by ClinVar (database versions not stated): gnomAD exomes 0.00006 and 0.00008; TOPMed 0.00006; ESP Exome Variant Server 0.00008; ExAC 0.00009; gnomAD 0.00009 and 0.00010.
gnomAD v4.1: 128 of 1,614,086 alleles (0.0079%); highest among the groups gnomAD compares: Non-Finnish European, 0.0098%; no homozygotes.

Submissions (3):

CeGaT Center for Human Genetics Tuebingen
Classification: Likely benign. Last evaluated: 2025-12-01. Review status: criteria provided, single submitter. Criteria: CeGaT Center For Human Genetics Tuebingen Variant Classification Criteria Version 2. Collection method: clinical testing. Allele origin: germline. Affected: yes. Observed: 4 variant alleles.
Comment: SLC5A7: BP4, BP7

Labcorp Genetics (formerly Invitae), Labcorp
Classification: Likely benign for Neuronopathy, distal hereditary motor, type 7A; Congenital myasthenic syndrome 20. Last evaluated: 2025-11-13. Review status: criteria provided, single submitter. Criteria: Invitae Variant Classification Sherloc (09022015). Collection method: clinical testing. Allele origin: germline.

PreventionGenetics, part of Exact Sciences
Classification: Likely benign for SLC5A7-related condition. Last evaluated: 2025-05-06. Review status: criteria provided, single submitter. Criteria: ACMG Guidelines, 2015. Collection method: clinical testing. Allele origin: germline.
Comment: This variant is classified as likely benign based on ACMG/AMP sequence variant interpretation guidelines (Richards et al. 2015 PMID: 25741868, with internal and published modifications).